The following is an entry in ClinVar:

ClinVar aggregate classification (germline): Pathogenic (1 of 4 stars; one submission).

Conditions:
Primary ciliary dyskinesia 32. Also called: CILIARY DYSKINESIA, PRIMARY, 32, WITHOUT SITUS INVERSUS. Identifiers: Orphanet 244, MedGen C4225311, MONDO:0014657, OMIM 616481.

Submission:

Labcorp Genetics (formerly Invitae), Labcorp
Classification: Pathogenic for Primary ciliary dyskinesia 32. Last evaluated: 2022-06-13. Review status: criteria provided, single submitter. Criteria: Invitae Variant Classification Sherloc (09022015). Collection method: clinical testing. Allele origin: germline.
Comment: For these reasons, this variant has been classified as Pathogenic. This variant has not been reported in the literature in individuals affected with RSPH3-related conditions. This variant is not present in population databases (gnomAD no frequency). This sequence change creates a premature translational stop signal (p.Ala70Glnfs*13) in the RSPH3 gene. It is expected to result in an absent or disrupted protein product. Loss-of-function variants in RSPH3 are known to be pathogenic (PMID: 26073779).

Literature cited by the submitters: PubMed 26073779.

NM_031924.8(RSPH3):c.-220del

Gene: RSPH3 (radial spoke head 3; minus strand). Cytogenetic location: 6q25.3.
Variant type: Deletion.
Coding change: c.-220del on transcript NM_031924.8 (MANE Select); 220 bases upstream of the start codon, one base deleted (C; older notation c.-220delC).
Molecular consequence: 5 prime UTR variant. On other transcripts: frameshift variant (1), non-coding transcript variant (1).
Genome position (GRCh38, 1-based): chr6:158,999,770, G deleted on the plus strand (C on the coding strand, the reverse complement: RSPH3 is on the minus strand); the first of 5 consecutive G bases (chr6:158,999,770-158,999,774); deleting any one gives the same sequence. VCF-style (leftmost placement, unchanged base first): chr6-158999769-CG-C. GRCh37 (hg19) VCF-style: chr6-159420801-CG-C.
Other names: c.207del, p.Ala70fs (NM_001346418.1); short protein forms A70fs.
Identifiers: ClinVar variation 1455833 (VCV001455833.7), dbSNP rs1778794132, ClinGen allele CA1096437846.